The following is an entry in ClinVar:

ClinVar aggregate classification (germline): Conflicting classifications of pathogenicity. Review status: criteria provided, conflicting classifications (1 of 4 stars). 4 submissions from 4 submitters: Uncertain significance (2); Benign (1). 1 of the submissions does not count toward it. Last evaluated 2025-07-30.

Conditions:
Nemaline myopathy 2 (NEM2). Also called: Nemaline myopathy 2, autosomal recessive. Identifiers: MedGen C1850569, MONDO:0009725, OMIM 256030.

Allele frequency attached by ClinVar (database versions not stated): ExAC 0.00004; gnomAD exomes 0.00005; gnomAD 0.00015 and 0.00016; TOPMed 0.00018; ESP Exome Variant Server 0.00033.
gnomAD v4.1: 112 of 1,609,570 alleles (0.007%); highest among the groups gnomAD compares: African/African-American, 0.06%; no homozygotes.

Submissions (4):

Labcorp Genetics (formerly Invitae), Labcorp
Classification: Benign for Nemaline myopathy 2. Last evaluated: 2025-07-30. Review status: criteria provided, single submitter. Criteria: Invitae Variant Classification Sherloc (09022015). Collection method: clinical testing. Allele origin: germline.

GeneDx
Classification: Uncertain significance. Last evaluated: 2020-06-04. Review status: criteria provided, single submitter. Criteria: GeneDx Variant Classification Process June 2021. Collection method: clinical testing. Allele origin: germline. Affected: yes.
Comment: In silico analysis supports that this missense variant has a deleterious effect on protein structure/function; Has not been previously published as pathogenic or benign to our knowledge

Breakthrough Genomics
Classification: Uncertain significance. Review status: criteria provided, single submitter. Criteria: ACMG Guidelines, 2015. Collection method: not provided. Allele origin: germline. Inheritance: Autosomal recessive inheritance. Affected: yes.

Natera, Inc.
Classification: Uncertain significance for Nemaline myopathy type 2. Last evaluated: 2020-01-17. Review status: no assertion criteria provided. Collection method: clinical testing. Allele origin: germline. Not counted in ClinVar's aggregate classification.

NM_001164508.2(NEB):c.24841C>T (p.Arg8281Trp)

Genes: NEB (nebulin; minus strand), RIF1 (replication timing regulatory factor 1; plus strand). Cytogenetic location: 2q23.3.
Variant type: single nucleotide variant.
Coding change: c.24841C>T on transcript NM_001164508.2 (MANE Select); coding-DNA position 24841, C replaced by T.
Protein change: p.Arg8281Trp; replaces arginine 8281 with tryptophan.
Molecular consequence: missense variant.
Genome position (GRCh38, 1-based): chr2:151,492,419, G>A on the plus strand (C>T on the coding strand, the complement: NEB is on the minus strand). VCF-style: chr2-151492419-G-A. GRCh37 (hg19) VCF-style: chr2-152348933-G-A.
Other names: c.24841C>T, p.Arg8281Trp (NM_001164507.2); c.24946C>T, p.Arg8316Trp (NM_001271208.2); c.19273C>T, p.Arg6425Trp (NM_004543.5); short protein forms R6425W, R8281W, R8316W.
Identifiers: ClinVar variation 971630 (VCV000971630.13), dbSNP rs200165006, ClinGen allele CA1905899.